The following is an entry in ClinVar:

NM_002691.4(POLD1):c.2414G>C (p.Ser805Thr)

Gene: POLD1 (DNA polymerase delta 1, catalytic subunit; plus strand). Cytogenetic location: 19q13.33.
Variant type: single nucleotide variant.
Coding change: c.2414G>C on transcript NM_002691.4 (MANE Select); coding-DNA position 2414, G replaced by C.
Protein change: p.Ser805Thr; replaces serine 805 with threonine.
Molecular consequence: missense variant. On other transcripts: non-coding transcript variant (1).
Genome position (GRCh38, 1-based): chr19:50,414,840, G>C. VCF-style: chr19-50414840-G-C. GRCh37 (hg19) VCF-style: chr19-50918097-G-C.
Other names: c.2414G>C (NM_002691.2); c.2414G>C, p.Ser805Thr (NM_001256849.1); c.2492G>C, p.Ser831Thr (NM_001308632.1); short protein forms S831T, S805T.
Identifiers: ClinVar variation 844722 (VCV000844722.8), dbSNP rs2039214128, ClinGen allele CA406984603.

ClinVar aggregate classification (germline): Uncertain significance. Review status: criteria provided, multiple submitters, no conflicts (2 of 4 stars). 2 submissions from 2 submitters: Uncertain significance (2). Last evaluated 2025-12-11.

Conditions:
Hereditary cancer-predisposing syndrome. Also called: Tumor predisposition; Hereditary Cancer Syndrome; Hereditary neoplastic syndrome; Neoplastic Syndromes, Hereditary. Identifiers: Orphanet 140162, MedGen C0027672, MeSH D009386, MONDO:0015356.
POLD1-related polyposis and colorectal cancer syndrome (CRCS10). Also called: Colorectal cancer 10; COLORECTAL CANCER, SUSCEPTIBILITY TO, ON CHROMOSOME 19q; Colorectal cancer, susceptibility to, 10. Identifiers: Orphanet 220460, MedGen C2675481, MONDO:0012953, OMIM 612591.

Submissions (2):

Ambry Genetics
Classification: Uncertain significance for Hereditary cancer-predisposing syndrome. Last evaluated: 2025-12-11. Review status: criteria provided, single submitter. Criteria: Ambry Variant Classification Scheme 2023. Collection method: clinical testing. Allele origin: germline.
Comment: The p.S805T variant (also known as c.2414G>C), located in coding exon 19 of the POLD1 gene, results from a G to C substitution at nucleotide position 2414. The serine at codon 805 is replaced by threonine, an amino acid with similar properties. This amino acid position is conserved. In addition, this alteration is predicted to be tolerated by in silico analysis. Based on the available evidence, the clinical significance of this variant remains unclear.

Labcorp Genetics (formerly Invitae), Labcorp
Classification: Uncertain significance for POLD1-related polyposis and colorectal cancer syndrome. Last evaluated: 2024-10-20. Review status: criteria provided, single submitter. Criteria: Invitae Variant Classification Sherloc (09022015). Collection method: clinical testing. Allele origin: germline.
Comment: This sequence change replaces serine, which is neutral and polar, with threonine, which is neutral and polar, at codon 805 of the POLD1 protein (p.Ser805Thr). This variant is not present in population databases (gnomAD no frequency). This variant has not been reported in the literature in individuals affected with POLD1-related conditions. ClinVar contains an entry for this variant (Variation ID: 844722). Invitae Evidence Modeling of protein sequence and biophysical properties (such as structural, functional, and spatial information, amino acid conservation, physicochemical variation, residue mobility, and thermodynamic stability) indicates that this missense variant is not expected to disrupt POLD1 protein function with a negative predictive value of 80%. In summary, the available evidence is currently insufficient to determine the role of this variant in disease. Therefore, it has been classified as a Variant of Uncertain Significance.